The following is an entry in ClinVar:

NM_033448.3(KRT71):c.717+6G>T

Gene: KRT71 (keratin 71; minus strand). Cytogenetic location: 12q13.13.
Variant type: single nucleotide variant.
Coding change: c.717+6G>T on transcript NM_033448.3 (MANE Select); 6 bases into the intron after coding-DNA position 717, G replaced by T.
Molecular consequence: intron variant.
Genome position (GRCh38, 1-based): chr12:52,549,287, C>A on the plus strand (G>T on the coding strand, the complement: KRT71 is on the minus strand). VCF-style: chr12-52549287-C-A. GRCh37 (hg19) VCF-style: chr12-52943071-C-A.
Identifiers: ClinVar variation 2095465 (VCV002095465.4), dbSNP rs754730459, ClinGen allele CA2580086459.
Genomic context (GRCh38, chr12:52,549,287, plus strand): 5'-TTGGCAGGCTCTGTTCCTCCAGGTCCCAGGCCAGCCCCCGGGACTCAGGGCCTGCCTTCC[C>A]CTCACCTTCTTGAGCAGCACAAACTCGTTCTCTGCTGCTGTCCGCTTGTTGATTTCCTCC-3'

ClinVar aggregate classification (germline): Uncertain significance (1 of 4 stars; one submission).

Submission:

Labcorp Genetics (formerly Invitae), Labcorp
Classification: Uncertain significance. Last evaluated: 2022-02-09. Review status: criteria provided, single submitter. Criteria: Invitae Variant Classification Sherloc (09022015). Collection method: clinical testing. Allele origin: germline.
Comment: This sequence change falls in intron 3 of the KRT71 gene. It does not directly change the encoded amino acid sequence of the KRT71 protein. It affects a nucleotide within the consensus splice site. This variant is not present in population databases (gnomAD no frequency). This variant has not been reported in the literature in individuals affected with KRT71-related conditions. Variants that disrupt the consensus splice site are a relatively common cause of aberrant splicing (PMID: 17576681, 9536098). Algorithms developed to predict the effect of sequence changes on RNA splicing suggest that this variant is not likely to affect RNA splicing. In summary, the available evidence is currently insufficient to determine the role of this variant in disease. Therefore, it has been classified as a Variant of Uncertain Significance.

Literature cited by the submitters: PubMed 17576681; PubMed 9536098.